The following is an entry in ClinVar:

ClinVar aggregate classification (germline): Uncertain significance (1 of 4 stars; one submission).

Conditions:
POLD1-related polyposis and colorectal cancer syndrome (CRCS10). Also called: Colorectal cancer 10; COLORECTAL CANCER, SUSCEPTIBILITY TO, ON CHROMOSOME 19q; Colorectal cancer, susceptibility to, 10. Identifiers: Orphanet 220460, MedGen C2675481, MONDO:0012953, OMIM 612591.

Allele frequency attached by ClinVar (database versions not stated): TOPMed below 0.00001; gnomAD 0.00001.

Submission:

Labcorp Genetics (formerly Invitae), Labcorp
Classification: Uncertain significance for POLD1-related polyposis and colorectal cancer syndrome. Last evaluated: 2023-05-28. Review status: criteria provided, single submitter. Criteria: Invitae Variant Classification Sherloc (09022015). Collection method: clinical testing. Allele origin: germline.
Comment: In summary, the available evidence is currently insufficient to determine the role of this variant in disease. Therefore, it has been classified as a Variant of Uncertain Significance. Advanced modeling of protein sequence and biophysical properties (such as structural, functional, and spatial information, amino acid conservation, physicochemical variation, residue mobility, and thermodynamic stability) performed at Invitae indicates that this missense variant is not expected to disrupt POLD1 protein function. This variant has not been reported in the literature in individuals affected with POLD1-related conditions. This variant is not present in population databases (gnomAD no frequency). This sequence change replaces threonine, which is neutral and polar, with alanine, which is neutral and non-polar, at codon 993 of the POLD1 protein (p.Thr993Ala).

NM_002691.4(POLD1):c.2977A>G (p.Thr993Ala)

Gene: POLD1 (DNA polymerase delta 1, catalytic subunit; plus strand). Cytogenetic location: 19q13.33.
Variant type: single nucleotide variant.
Coding change: c.2977A>G on transcript NM_002691.4 (MANE Select); coding-DNA position 2977, A replaced by G.
Protein change: p.Thr993Ala; replaces threonine 993 with alanine.
Molecular consequence: missense variant. On other transcripts: non-coding transcript variant (1).
Genome position (GRCh38, 1-based): chr19:50,416,633, A>G. VCF-style: chr19-50416633-A-G. GRCh37 (hg19) VCF-style: chr19-50919890-A-G.
Other names: c.2977A>G, p.Thr993Ala (NM_001256849.1); c.3055A>G, p.Thr1019Ala (NM_001308632.1); short protein forms T993A, T1019A.
Identifiers: ClinVar variation 2982742 (VCV002982742.3), dbSNP rs1270953867, ClinGen allele CA406986854.